The following is an entry in ClinVar:

ClinVar aggregate classification (germline): Pathogenic (1 of 4 stars; one submission).

Conditions:
Neuromuscular disease caused by qualitative or quantitative defects of dysferlin. Also called: Qualitative or quantitative defects of dysferlin; Dysferlinopathy. Identifiers: Orphanet 207073, MedGen C2931687, MONDO:0016145.

Allele frequency attached by ClinVar (database versions not stated): gnomAD exomes below 0.00001.

Submission:

Labcorp Genetics (formerly Invitae), Labcorp
Classification: Pathogenic for Neuromuscular disease caused by qualitative or quantitative defects of dysferlin. Last evaluated: 2023-11-17. Review status: criteria provided, single submitter. Criteria: Invitae Variant Classification Sherloc (09022015). Collection method: clinical testing. Allele origin: germline.
Comment: This sequence change creates a premature translational stop signal (p.Arg808Profs*57) in the DYSF gene. It is expected to result in an absent or disrupted protein product. Loss-of-function variants in DYSF are known to be pathogenic (PMID: 17698709, 20301480). This variant is present in population databases (no rsID available, gnomAD 0.0009%). This variant has not been reported in the literature in individuals affected with DYSF-related conditions. For these reasons, this variant has been classified as Pathogenic.

Literature cited by the submitters: PubMed 17698709; PubMed 20301480.

NM_001130987.2(DYSF):c.2476dup (p.Arg826fs)

Gene: DYSF (dysferlin; plus strand). Cytogenetic location: 2p13.2.
Variant type: Duplication.
Coding change: c.2476dup on transcript NM_001130987.2 (MANE Select); coding-DNA position 2476, one base duplicated (C; older notation c.2476dupC).
Protein change: p.Arg826fs; shifts the reading frame from arginine 826.
Molecular consequence: frameshift variant.
Genome position (GRCh38, 1-based): chr2:71,564,124, C duplicated. VCF-style (leftmost placement, unchanged base first): chr2-71564123-G-GC. GRCh37 (hg19) VCF-style: chr2-71791253-G-GC.
Other names: c.2425dup, p.Arg809fs (NM_001130455.2, NM_001130983.2); c.2380dup, p.Arg794fs (NM_001130976.2, NM_001130977.2); c.2422dup, p.Arg808fs (NM_001130978.2, NM_003494.4); c.2515dup, p.Arg839fs (NM_001130979.2); c.2473dup, p.Arg825fs (NM_001130980.2, NM_001130981.2); c.2518dup, p.Arg840fs (NM_001130982.2); c.2383dup, p.Arg795fs (NM_001130984.2, NM_001130986.2); c.2476dup, p.Arg826fs (NM_001130985.2); short protein forms R826fs, R840fs, R809fs, R825fs, R794fs, R808fs, R839fs, R795fs.
Identifiers: ClinVar variation 2811138 (VCV002811138.3), dbSNP rs1262360262, ClinGen allele CA533258111.